The following is an entry in ClinVar:

ClinVar aggregate classification (germline): Likely benign (0 of 4 stars; one submission).

Conditions:
AEBP1-related disorder. Also called: AEBP1-related condition.

Allele frequency attached by ClinVar (database versions not stated): TOPMed below 0.00001; gnomAD 0.00002; ExAC 0.00007; 1000 Genomes Project 0.00040; 1000 Genomes Project 30x 0.00047.
gnomAD v4.1: 43 of 1,613,956 alleles (0.0027%); highest among the groups gnomAD compares: South Asian, 0.046%; no homozygotes.

Submission:

PreventionGenetics, part of Exact Sciences
Classification: Likely benign for AEBP1-related condition. Last evaluated: 2019-07-29. Review status: no assertion criteria provided. Collection method: clinical testing. Allele origin: germline.
Comment: This variant is classified as likely benign based on ACMG/AMP sequence variant interpretation guidelines (Richards et al. 2015 PMID: 25741868, with internal and published modifications).

NM_001129.5(AEBP1):c.2570-6G>T

Gene: AEBP1 (AE binding protein 1; plus strand). Cytogenetic location: 7p13.
Variant type: single nucleotide variant.
Coding change: c.2570-6G>T on transcript NM_001129.5 (MANE Select); 6 bases into the intron before coding-DNA position 2570, G replaced by T.
Molecular consequence: intron variant.
Genome position (GRCh38, 1-based): chr7:44,112,985, G>T. VCF-style: chr7-44112985-G-T. GRCh37 (hg19) VCF-style: chr7-44152584-G-T.
Identifiers: ClinVar variation 3035144 (VCV003035144.2), dbSNP rs563058667, ClinGen allele CA4238253.